The following is an entry in ClinVar:

ClinVar aggregate classification (germline): Uncertain significance. Review status: criteria provided, multiple submitters, no conflicts (2 of 4 stars). 4 submissions from 4 submitters: Uncertain significance (4). Last evaluated 2025-12-17.

Conditions:
Hereditary cancer-predisposing syndrome. Also called: Tumor predisposition; Hereditary neoplastic syndrome; Neoplastic Syndromes, Hereditary; Hereditary Cancer Syndrome. Identifiers: Orphanet 140162, MedGen C0027672, MeSH D009386, MONDO:0015356.
Ataxia-telangiectasia syndrome (AT). Also called: Ataxia-telangiectasia, complementation group E; AT, COMPLEMENTATION GROUP C; ATAXIA-TELANGIECTASIA, COMPLEMENTATION GROUP A; ATAXIA-TELANGIECTASIA, FRESNO VARIANT; Ataxia-telangiectasia; LOUIS-BAR SYNDROME. Identifiers: Orphanet 100, MedGen C0004135, MONDO:0008840, OMIM 208900.

Allele frequency attached by ClinVar (database versions not stated): gnomAD exomes below 0.00001; gnomAD 0.00001.
gnomAD v4.1: 6 of 1,614,038 alleles (0.00037%); highest among the groups gnomAD compares: Non-Finnish European, 0.00042%; no homozygotes.

Submissions (4):

Labcorp Genetics (formerly Invitae), Labcorp
Classification: Uncertain significance for Ataxia-telangiectasia syndrome. Last evaluated: 2025-12-17. Review status: criteria provided, single submitter. Criteria: Invitae Variant Classification Sherloc (09022015). Collection method: clinical testing. Allele origin: germline.
Comment: This sequence change replaces phenylalanine, which is neutral and non-polar, with leucine, which is neutral and non-polar, at codon 527 of the ATM protein (p.Phe527Leu). This variant is present in population databases (no rsID available, gnomAD 0.007%). This variant has not been reported in the literature in individuals affected with ATM-related conditions. ClinVar contains an entry for this variant (Variation ID: 219814). Invitae Evidence Modeling of protein sequence and biophysical properties (such as structural, functional, and spatial information, amino acid conservation, physicochemical variation, residue mobility, and thermodynamic stability) indicates that this missense variant is not expected to disrupt ATM protein function with a negative predictive value of 95%. In summary, the available evidence is currently insufficient to determine the role of this variant in disease. Therefore, it has been classified as a Variant of Uncertain Significance.

Ambry Genetics
Classification: Uncertain significance for Hereditary cancer-predisposing syndrome. Last evaluated: 2025-10-22. Review status: criteria provided, single submitter. Criteria: Ambry Variant Classification Scheme 2023. Collection method: clinical testing. Allele origin: germline.
Comment: The p.F527L variant (also known as c.1579T>C), located in coding exon 9 of the ATM gene, results from a T to C substitution at nucleotide position 1579. The phenylalanine at codon 527 is replaced by leucine, an amino acid with highly similar properties. In an assay testing ATM function, this variant showed a functionally normal result (Lee KS et al. Cell, 2025 Sep;188:5081-5099.e27). This amino acid position is highly conserved in available vertebrate species. In addition, the in silico prediction for this alteration is inconclusive. Based on the available evidence, the clinical significance of this variant remains unclear.

GeneDx
Classification: Uncertain significance. Last evaluated: 2023-04-04. Review status: criteria provided, single submitter. Criteria: GeneDx Variant Classification Process June 2021. Collection method: clinical testing. Allele origin: germline. Affected: yes.
Comment: Not observed at significant frequency in large population cohorts (gnomAD); In silico analysis supports that this missense variant does not alter protein structure/function; Has not been previously published as pathogenic or benign to our knowledge

Color Diagnostics, LLC DBA Color Health
Classification: Uncertain significance for Hereditary cancer-predisposing syndrome. Last evaluated: 2020-01-17. Review status: criteria provided, single submitter. Criteria: ACMG Guidelines, 2015. Collection method: clinical testing. Allele origin: germline.
Comment: This missense variant replaces phenylalanine with leucine at codon 527 of the ATM protein. Computational prediction tool suggests that this variant may not impact protein structure and function (internally defined REVEL score threshold ≤0.5, PMID: 27666373). Splice site prediction tools suggest that this variant may not impact RNA splicing. To our knowledge, functional studies have not been performed for this variant. This variant has not been reported in individuals affected with hereditary cancer in the literature. This variant has been identified in 1/31394 chromosomes in the general population by the Genome Aggregation Database (gnomAD). The available evidence is insufficient to determine the role of this variant in disease conclusively. Therefore, this variant is classified as a Variant of Uncertain Significance.

Literature cited by the submitters: PubMed 40580951 (cited by Ambry Genetics).

NM_000051.4(ATM):c.1579T>C (p.Phe527Leu)

Gene: ATM (ATM serine/threonine kinase; plus strand). Cytogenetic location: 11q22.3.
Variant type: single nucleotide variant.
Coding change: c.1579T>C on transcript NM_000051.4 (MANE Select); coding-DNA position 1579, T replaced by C.
Protein change: p.Phe527Leu; replaces phenylalanine 527 with leucine.
Molecular consequence: missense variant.
Genome position (GRCh38, 1-based): chr11:108,251,044, T>C. VCF-style: chr11-108251044-T-C. GRCh37 (hg19) VCF-style: chr11-108121771-T-C.
Other names: c.1579T>C, p.Phe527Leu (NM_001351834.2); short protein forms F527L.
Identifiers: ClinVar variation 219814 (VCV000219814.15), dbSNP rs864622262, ClinGen allele CA348481.